The following is an entry in ClinVar:

ClinVar aggregate classification (germline): Benign. Review status: criteria provided, multiple submitters, no conflicts (2 of 4 stars). 2 submissions from 2 submitters: Benign (2). Last evaluated 2026-02-02.

Submissions (2):

Labcorp Genetics (formerly Invitae), Labcorp
Classification: Benign. Last evaluated: 2026-02-02. Review status: criteria provided, single submitter. Criteria: Invitae Variant Classification Sherloc (09022015). Collection method: clinical testing. Allele origin: germline.

Mayo Clinic Laboratories, Mayo Clinic
Classification: Benign. Last evaluated: 2023-12-05. Review status: criteria provided, single submitter. Criteria: ACMG Guidelines, 2015. Collection method: clinical testing. Allele origin: germline. Observed: 4 variant alleles.
Comment: BA1, BP4, BP7

NM_000082.4(ERCC8):c.1123-3dup

Gene: ERCC8 (ERCC excision repair 8, CSA ubiquitin ligase complex subunit; minus strand). Cytogenetic location: 5q12.1.
Variant type: Duplication.
Coding change: c.1123-3dup on transcript NM_000082.4 (MANE Select); 3 bases into the intron before coding-DNA position 1123, one base duplicated (T; older notation c.1123-3dupT).
Molecular consequence: intron variant.
Genome position (GRCh38, 1-based): chr5:60,874,686, A duplicated on the plus strand (T on the coding strand, the reverse complement: ERCC8 is on the minus strand); the first of 12 consecutive A bases (chr5:60,874,686-60,874,697); duplicating any one gives the same sequence. VCF-style (leftmost placement, unchanged base first): chr5-60874685-T-TA. GRCh37 (hg19) VCF-style: chr5-60170512-T-TA.
Other names: p.?; c.664-3dup (NM_001290285.2); c.949-3dup (NM_001007233.3); c.1123-3dup (NM_000082.3).
Identifiers: ClinVar variation 702307 (VCV000702307.11), dbSNP rs747885140, ClinGen allele CA3277593.